The following is an entry in ClinVar:

ClinVar aggregate classification (germline): Conflicting classifications of pathogenicity. Review status: criteria provided, conflicting classifications (1 of 4 stars). 10 submissions from 10 submitters: Uncertain significance (1); Benign (1); Likely benign (5). 3 of the submissions do not count toward it. Last evaluated 2026-07-01.

Conditions:
IFT140-related disorder. Also called: IFT140-related condition.
Saldino-Mainzer syndrome (SRTD9). Also called: SHORT-RIB THORACIC DYSPLASIA 9 WITHOUT POLYDACTYLY; CONORENAL SYNDROME; short-rib thoracic dysplasia 9 with or without polydactyly; Renal dysplasia, retinal pigmentary dystrophy, cerebellar ataxia and skeletal dysplasia. Identifiers: Orphanet 140969, MedGen C1849437, MONDO:0009964, OMIM 266920.
Cleft palate. Identifiers: Orphanet 2014, MedGen C2981150, MONDO:0016064, HP:0000175.

Allele frequency attached by ClinVar (database versions not stated): 1000 Genomes Project 0.00100; 1000 Genomes Project 30x 0.00109; ESP Exome Variant Server 0.00185; gnomAD exomes 0.00190 and 0.00267; gnomAD 0.00194 and 0.00196; TOPMed 0.00202; ExAC 0.00210.
gnomAD v4.1: 4,220 of 1,613,806 alleles (0.26%); highest among the groups gnomAD compares: Non-Finnish European, 0.32%; 6 homozygotes.

Submissions (12):

CeGaT Center for Human Genetics Tuebingen
Classification: Likely benign. Last evaluated: 2026-07-01. Review status: criteria provided, single submitter. Criteria: CeGaT Center For Human Genetics Tuebingen Variant Classification Criteria Version 2. Collection method: clinical testing. Allele origin: germline. Affected: yes. Observed: 9 variant alleles.
Comment: IFT140: BP4

Labcorp Genetics (formerly Invitae), Labcorp
Classification: Benign for Saldino-Mainzer syndrome. Last evaluated: 2026-02-03. Review status: criteria provided, single submitter. Criteria: Invitae Variant Classification Sherloc (09022015). Collection method: clinical testing. Allele origin: germline.

Blueprint Genetics
Classification: Likely benign. Last evaluated: 2024-10-31. Review status: criteria provided, single submitter. Criteria: ACMG Guidelines, 2015. Collection method: clinical testing. Allele origin: germline.

Cambridge Genomics Laboratory, East Genomic Laboratory Hub, NHS Genomic Medicine Service
Classification: Uncertain significance for Cleft palate. Last evaluated: 2020-04-29. Review status: criteria provided, single submitter. Criteria: ACGS Best Practice Guidelines for Variant Classification in Rare Disease 2020. Collection method: clinical testing. Allele origin: germline. Affected: yes. Observed: 1 variant allele.

Illumina Laboratory Services, Illumina
Classification: Likely benign for Saldino-Mainzer syndrome. Last evaluated: 2018-01-13. Review status: criteria provided, single submitter. Criteria: ICSL Variant Classification Criteria 13 December 2019. Collection method: clinical testing. Allele origin: germline.
Comment: This variant was observed in the ICSL laboratory as part of a predisposition screen in an ostensibly healthy population. It had not been previously curated by ICSL or reported in the Human Gene Mutation Database (HGMD: prior to June 1st, 2018), and was therefore a candidate for classification through an automated scoring system. Utilizing variant allele frequency, disease prevalence and penetrance estimates, and inheritance mode, an automated score was calculated to assess if this variant is too frequent to cause the disease. Based on the score and internal cut-off values, a variant classified as likely benign is not then subjected to further curation. The score for this variant resulted in a classification of likely benign for this disease.

Eurofins Ntd Llc (ga)
Classification: Likely benign. Last evaluated: 2015-04-13. Review status: criteria provided, single submitter. Criteria: EGL Classification Definitions 2015. Collection method: clinical testing. Allele origin: germline. Observed: 1 variant allele, 1 heterozygote.

Breakthrough Genomics
Classification: Likely benign. Review status: criteria provided, single submitter. Criteria: ACMG Guidelines, 2015. Collection method: not provided. Allele origin: germline. Inheritance: Autosomal recessive inheritance. Affected: yes.

PreventionGenetics, part of Exact Sciences
Classification: Likely benign for IFT140-related condition. Last evaluated: 2022-09-27. Review status: no assertion criteria provided. Collection method: clinical testing. Allele origin: germline. Not counted in ClinVar's aggregate classification.
Comment: This variant is classified as likely benign based on ACMG/AMP sequence variant interpretation guidelines (Richards et al. 2015 PMID: 25741868, with internal and published modifications).

Clinical Genetics DNA and cytogenetics Diagnostics Lab, Erasmus MC, Erasmus Medical Center
Classification: Uncertain significance. Review status: no assertion criteria provided. Collection method: clinical testing. Allele origin: germline. Affected: yes. Study: VKGL Data-share Consensus. Not counted in ClinVar's aggregate classification.

Dr. Peter K. Rogan Lab, Western University
No classification provided (evidence only). Condition: Ovarian serous cystadenocarcinoma. Review status: no classification provided. Collection method: in vitro. Allele origin: not applicable. Functional consequence: retained intron. Not counted in ClinVar's aggregate classification.

Dr. Peter K. Rogan Lab, Western University
No classification provided (evidence only). Condition: Gastric cancer. Review status: no classification provided. Collection method: in vitro. Allele origin: not applicable. Functional consequence: retained intron. Not counted in ClinVar's aggregate classification.

Joint Genome Diagnostic Labs from Nijmegen and Maastricht, Radboudumc and MUMC+
Classification: Uncertain significance. Review status: no assertion criteria provided. Collection method: clinical testing. Allele origin: germline. Affected: yes. Study: VKGL Data-share Consensus. Not counted in ClinVar's aggregate classification.

NM_014714.4(IFT140):c.1336A>G (p.Ile446Val)

Genes: IFT140 (intraflagellar transport 140; minus strand), LOC105371046 (uncharacterized LOC105371046; plus strand). Cytogenetic location: 16p13.3.
Variant type: single nucleotide variant.
Coding change: c.1336A>G on transcript NM_014714.4 (MANE Select); coding-DNA position 1336, A replaced by G.
Protein change: p.Ile446Val; replaces isoleucine 446 with valine.
Molecular consequence: missense variant.
Genome position (GRCh38, 1-based): chr16:1,584,240, T>C on the plus strand (A>G on the coding strand, the complement: IFT140 is on the minus strand). VCF-style: chr16-1584240-T-C. GRCh37 (hg19) VCF-style: chr16-1634241-T-C.
Other names: short protein forms I446V.
Identifiers: ClinVar variation 193897 (VCV000193897.51), dbSNP rs139619013, ClinGen allele CA200837.